The following continues an entry in ClinVar:

NM_014714.4(IFT140):c.634G>A (p.Gly212Arg)

ClinVar aggregate classification (germline): Pathogenic/Likely pathogenic. Pathogenic (11); Likely pathogenic (2).

Submissions 12 to 19 of 19:

Laboratory of Medical Genetics (UMR_S 1112), INSERM/Strasbourg University
Classification: Pathogenic for Renal dysplasia, retinal pigmentary dystrophy, cerebellar ataxia and skeletal dysplasia. Last evaluated: 2018-01-01. Review status: criteria provided, single submitter. Criteria: Geoffroy et al. (Hum Mutat. 2018). Collection method: research. Allele origin: inherited. Inheritance: Autosomal recessive inheritance. Affected: yes. Observed: 1 variant allele, 1 compound heterozygote.

Laboratory of Medical Genetics (UMR_S 1112), INSERM/Strasbourg University
Classification: Pathogenic for Retinal ciliopathy due to mutation in the retinitis pigmentosa-1 gene. Last evaluated: 2018-01-01. Review status: criteria provided, single submitter. Criteria: Geoffroy et al. (Hum Mutat. 2018). Collection method: research. Allele origin: inherited. Inheritance: Autosomal recessive inheritance. Affected: yes. Observed: 1 variant allele, 1 compound heterozygote.

Yale Center for Mendelian Genomics, Yale University
Classification: Pathogenic for Saldino-Mainzer syndrome. Last evaluated: 2019-02-14. Review status: no assertion criteria provided. Collection method: literature only. Allele origin: germline. Affected: yes. Observed: 2 homozygotes. Study: Yale Center for Mendelian Genomics. Not counted in ClinVar's aggregate classification.

Sydney Genome Diagnostics, Children's Hospital Westmead
Classification: Pathogenic for Nephronophthisis. Last evaluated: 2018-10-25. Review status: no assertion criteria provided. Collection method: clinical testing. Allele origin: unknown. Affected: yes. Observed: 1 variant allele, 1 compound heterozygote. Not counted in ClinVar's aggregate classification.
Comment: This variant has been previously reported in conjunction with a second pathogenic IFT140 mutation in patients with Mainzer-Saldino syndrome (MSS) and Jeune syndrome .Functional studies have shown that this variant affects IFT140 cell localization and therefore this variant is considered to be pathogenic (Perrault et al. 2012, Am. J. Hum. Genet 90, 864-870).

Dan Cohn Lab, University Of California Los Angeles
Classification: Pathogenic for Asphyxiating thoracic dystrophy. Last evaluated: 2017-06-01. Review status: no assertion criteria provided. Collection method: research. Allele origin: maternal. Affected: yes. Not counted in ClinVar's aggregate classification.

OMIM
Classification: Pathogenic for SHORT-RIB THORACIC DYSPLASIA 9 WITHOUT POLYDACTYLY. Last evaluated: 2012-05-04. Review status: no assertion criteria provided. Collection method: literature only. Allele origin: germline. Not counted in ClinVar's aggregate classification.

OMIM
Classification: Pathogenic for RETINITIS PIGMENTOSA 80. Last evaluated: 2012-05-04. Review status: no assertion criteria provided. Collection method: literature only. Allele origin: germline. Not counted in ClinVar's aggregate classification.

University of Washington Center for Mendelian Genomics, University of Washington
Classification: Likely pathogenic for asphyxiating thoracic dystrophy. Review status: no assertion criteria provided. Collection method: research. Allele origin: inherited. Affected: yes. Not counted in ClinVar's aggregate classification.

Literature cited by the submitters: PubMed 22503633 (cited by 3 submitters); PubMed 28559085 (cited by Labcorp Genetics (formerly Invitae), Labcorp); PubMed 28724397 (cited by 3 submitters); PubMed 17576681 (cited by Labcorp Genetics (formerly Invitae), Labcorp); PubMed 9536098 (cited by Labcorp Genetics (formerly Invitae), Labcorp); PubMed 30773290 (cited by Yale Center for Mendelian Genomics, Yale University); PubMed 29068549 (cited by Dan Cohn Lab, University Of California Los Angeles and University of Washington Center for Mendelian Genomics, University of Washington); PubMed 28288023 (cited by OMIM); PubMed 29688594 (cited by OMIM).